The following is an entry in ClinVar:

ClinVar aggregate classification (germline): Conflicting classifications of pathogenicity. Review status: criteria provided, conflicting classifications (1 of 4 stars). 11 submissions from 11 submitters: Uncertain significance (6); Likely benign (2). 3 of the submissions do not count toward it. Last evaluated 2025-11-22.

Conditions:
Hereditary breast ovarian cancer syndrome. Also called: Hereditary breast and ovarian cancer syndrome; Hereditary breast and ovarian cancer; Hereditary breast and ovarian cancer syndrome (HBOC); Breast and ovarian cancer; Hereditary breast and/or ovarian cancer syndrome; BRCA1- and BRCA2-Associated Hereditary Breast and Ovarian Cancer. Identifiers: Orphanet 145, MedGen C0677776, MeSH D061325, MONDO:0003582. Disease mechanism: loss of function.
Familial cancer of breast. Also called: BREAST CANCER, FAMILIAL; Hereditary breast cancer; hereditary breast carcinoma. Identifiers: Orphanet 227535, MedGen C0346153, MONDO:0016419, OMIM 114480. Disease mechanism: loss of function.
Hereditary cancer-predisposing syndrome. Also called: Neoplastic Syndromes, Hereditary; Tumor predisposition; Hereditary neoplastic syndrome; Hereditary Cancer Syndrome. Identifiers: Orphanet 140162, MedGen C0027672, MeSH D009386, MONDO:0015356.
BRCA2-related cancer predisposition. Identifiers: MedGen CN377758, MONDO:0700269.
Breast-ovarian cancer, familial, susceptibility to, 2 (BROVCA2). Also called: BRCA2 Hereditary Breast and Ovarian Cancer. Identifiers: Orphanet 145, MedGen C2675520, MONDO:0012933, OMIM 612555. Disease mechanism: loss of function.

Allele frequency attached by ClinVar (database versions not stated): gnomAD exomes below 0.00001; gnomAD 0.00003.
gnomAD v4.1: 3 of 1,519,106 alleles (0.0002%); highest among the groups gnomAD compares: Non-Finnish European, 0.00018%; no homozygotes.

Submissions (11):

Labcorp Genetics (formerly Invitae), Labcorp
Classification: Uncertain significance for Hereditary breast ovarian cancer syndrome. Last evaluated: 2025-11-22. Review status: criteria provided, single submitter. Criteria: Invitae Variant Classification Sherloc (09022015). Collection method: clinical testing. Allele origin: germline.
Comment: This sequence change replaces proline, which is neutral and non-polar, with alanine, which is neutral and non-polar, at codon 2283 of the BRCA2 protein (p.Pro2283Ala). This variant is present in population databases (rs80358909, gnomAD 0.003%). This missense change has been observed in individual(s) with breast cancer (PMID: 10717622). ClinVar contains an entry for this variant (Variation ID: 52213). Invitae Evidence Modeling of protein sequence and biophysical properties (such as structural, functional, and spatial information, amino acid conservation, physicochemical variation, residue mobility, and thermodynamic stability) indicates that this missense variant is not expected to disrupt BRCA2 protein function with a negative predictive value of 95%. In summary, the available evidence is currently insufficient to determine the role of this variant in disease. Therefore, it has been classified as a Variant of Uncertain Significance.

Ambry Genetics
Classification: Uncertain significance for Hereditary cancer-predisposing syndrome. Last evaluated: 2025-10-09. Review status: criteria provided, single submitter. Criteria: Ambry Variant Classification Scheme 2023. Collection method: clinical testing. Allele origin: germline.
Comment: The p.P2283A variant (also known as c.6847C>G), located in coding exon 11 of the BRCA2 gene, results from a C to G substitution at nucleotide position 6847. The proline at codon 2283 is replaced by alanine, an amino acid with highly similar properties. This amino acid position is highly conserved in available vertebrate species. In addition, this alteration is predicted to be deleterious by in silico analysis. Based on the available evidence, the clinical significance of this variant remains unclear.

Quest Diagnostics Nichols Institute San Juan Capistrano
Classification: Uncertain significance. Last evaluated: 2024-10-14. Review status: criteria provided, single submitter. Criteria: Quest Diagnostics criteria. Collection method: clinical testing. Allele origin: unknown.
Comment: The BRCA2 c.6847C>G (p.Pro2283Ala) variant has been reported in the published literature in individuals with breast cancer (PMID: 10717622 (2000), 33471991 (2021), see also LOVD) and in a reportedly healthy individual (PMID: 33471991 (2021), see also LOVD). The frequency of this variant in the general population, 0.0000072 (2/276936 chromosomes (Genome Aggregation Database)), is uninformative in the assessment of its pathogenicity. Analysis of this variant using bioinformatics tools for the prediction of the effect of amino acid changes on protein structure and function yielded predictions that this variant is damaging. Based on the available information, we are unable to determine the clinical significance of this variant.

All of Us Research Program, National Institutes of Health
Classification: Uncertain significance for BRCA2-related cancer predisposition. Last evaluated: 2024-08-06. Review status: criteria provided, single submitter. Criteria: ACMG Guidelines, 2015. Collection method: clinical testing. Allele origin: germline. Inheritance: Autosomal dominant inheritance. Observed: 3 variant alleles, 3 heterozygotes.
Comment: This study involves interpretation of variants in research participants for the purpose of population health screening. Participant phenotype was not available at the time of variant classification. Additional details can be found in publication PMID: 35346344, PMCID: PMC8962531

German Consortium for Hereditary Breast and Ovarian Cancer, University Hospital Cologne
Classification: Likely benign for Hereditary breast ovarian cancer syndrome. Last evaluated: 2024-06-11. Review status: criteria provided, single submitter. Criteria: ClinGen BRCA2 V1.0.0. Collection method: curation. Allele origin: germline.
Comment: According to the ClinGen ENIGMA BRCA2 v1.0.0 criteria we chose this criterion: BP1 (strong benign): outside a (potentially) clinically important functional domain AND no splicing predicted (SpliceAI ≤0.1); Based on evidence we decided that this criterion can not be selected: PM2 (supporting pathogenic): not in gnomAD

MGZ Medical Genetics Center
Classification: Likely benign for Familial cancer of breast. Last evaluated: 2024-02-09. Review status: criteria provided, single submitter. Criteria: CSpec BRCA1/2ACMG Rules Specifications V1.1.0. Collection method: clinical testing. Allele origin: germline. Affected: yes.
Comment: ACMG codes applied following ENIGMA VCEP rules: BP1_STR

GeneDx
Classification: Uncertain significance. Last evaluated: 2023-09-26. Review status: criteria provided, single submitter. Criteria: GeneDx Variant Classification Process June 2021. Collection method: clinical testing. Allele origin: germline. Affected: yes.
Comment: Not observed at significant frequency in large population cohorts (gnomAD); In silico analysis supports that this missense variant does not alter protein structure/function; Also known as 7075C>G; This variant is associated with the following publications: (PMID: 21741379, 24817641, 33471991, 10717622)

Color Diagnostics, LLC DBA Color Health
Classification: Uncertain significance for Hereditary cancer-predisposing syndrome. Last evaluated: 2023-02-21. Review status: criteria provided, single submitter. Criteria: ACMG Guidelines, 2015. Collection method: clinical testing. Allele origin: germline.
Comment: This missense variant replaces proline with alanine at codon 2283 of the BRCA2 protein. This variant is also known as 7075C>G in the literature. Computational prediction suggests that this variant may have deleterious impact on protein structure and function (internally defined REVEL score threshold >= 0.7, PMID: 27666373). To our knowledge, functional studies have not been reported for this variant. This variant has been reported in two individuals affected with breast cancer and in one unaffected individual (PMID: 10717622, 33471991; Leiden Open Variation Database DB-ID BRCA2_008522). This variant has been identified in 2/276936 chromosomes in the general population by the Genome Aggregation Database (gnomAD). The available evidence is insufficient to determine the role of this variant in disease conclusively. Therefore, this variant is classified as a Variant of Uncertain Significance.

Counsyl
Classification: Uncertain significance for Breast-ovarian cancer, familial, susceptibility to, 2. Last evaluated: 2017-12-29. Review status: no assertion criteria provided. Collection method: clinical testing. Allele origin: unknown. Not counted in ClinVar's aggregate classification.

Sharing Clinical Reports Project (SCRP)
Classification: Uncertain significance for Breast-ovarian cancer, familial 2. Last evaluated: 2011-11-08. Review status: no assertion criteria provided. Collection method: clinical testing. Allele origin: germline. Not counted in ClinVar's aggregate classification.

Breast Cancer Information Core (BIC) (BRCA2)
Classification: Uncertain significance for Breast-ovarian cancer, familial 2. Last evaluated: 1998-11-30. Review status: no assertion criteria provided. Collection method: clinical testing. Allele origin: germline. Affected: yes. Observed: 1 variant allele. Not counted in ClinVar's aggregate classification.

Literature cited by the submitters: PubMed 10717622 (cited by 5 submitters); PubMed 24817641 (cited by Quest Diagnostics Nichols Institute San Juan Capistrano and Counsyl); PubMed 33471991 (cited by Quest Diagnostics Nichols Institute San Juan Capistrano and Color Diagnostics, LLC DBA Color Health); PubMed 21741379 (cited by Quest Diagnostics Nichols Institute San Juan Capistrano).

NM_000059.4(BRCA2):c.6847C>G (p.Pro2283Ala)

Gene: BRCA2 (BRCA2 DNA repair associated; plus strand). Cytogenetic location: 13q13.1.
Variant type: single nucleotide variant.
Coding change: c.6847C>G on transcript NM_000059.4 (MANE Select); coding-DNA position 6847, C replaced by G.
Protein change: p.Pro2283Ala; replaces proline 2283 with alanine.
Molecular consequence: missense variant.
Genome position (GRCh38, 1-based): chr13:32,344,563, C>G. VCF-style: chr13-32344563-C-G. GRCh37 (hg19) VCF-style: chr13-32918700-C-G.
Other names: 7075C>G; short protein forms P2283A.
Identifiers: ClinVar variation 52213 (VCV000052213.33), dbSNP rs80358909, ClinGen allele CA024514.